The following is an entry in ClinVar:

ClinVar aggregate classification (germline): Likely pathogenic (1 of 4 stars; one submission).

Submission:

Genetic Services Laboratory, University of Chicago
Classification: Likely pathogenic. Last evaluated: 2020-09-23. Review status: criteria provided, single submitter. Criteria: ACMG Guidelines, 2015. Collection method: clinical testing. Allele origin: germline. Affected: yes.
Comment: This is a novel sequence change that is not present in population databases (gnomAD and ExAC). This particular amino acid change does not appear to have been described in the literature in other patients with TUBB -related disorders, however, a different pathogenic sequence change affecting the same amino acid residue (p.Met299Val) has been described in a patient with microcephaly, brainstem hypoplasia, focal polymicrogyria, localized band heterotopia, partial agenesis of corpus callosum, ID and severe motor and language delays (PMID: 23246003). Functional studies for the reported variant, p.Met299Val, were supportive of the impact on neuronal migration in murine brain tissue. Pathogenic variants in the TUBB gene have been associated with cortical brain malformations including simplified gyral patterns, cerebellar hypoplasia, cortical dysplasia and delayed psychomotor development (OMIM # 615771). Additionally, pathogenic variants in this gene have also been described in patients with congenital symmetrical circumferential skin creases phenotype (OMIM# 156610) which is characterized by circumferential skin creases, cleft palate, facial dysmorphism, growth retardation, and intellectual disability. PMID: 30738969 described a patient harboring a missense variant in this gene, but presenting with a milder phenotype than other patients carrying the same variant. The majority of pathogenic variants in this gene have been reported to be de novo with exception of a single familial case of circumferential skin creases Kunze type (CSC-KT) (PMID: 29427453).

NM_178014.4(TUBB):c.897G>A (p.Met299Ile)

Gene: TUBB (tubulin beta class I; plus strand). Cytogenetic location: 6p21.33.
Variant type: single nucleotide variant.
Coding change: c.897G>A on transcript NM_178014.4 (MANE Select); coding-DNA position 897, G replaced by A.
Protein change: p.Met299Ile; replaces methionine 299 with isoleucine.
Molecular consequence: missense variant. On other transcripts: non-coding transcript variant (1), intron variant (1).
Genome position (GRCh38, 1-based): chr6:30,723,959, G>A. VCF-style: chr6-30723959-G-A. GRCh37 (hg19) VCF-style: chr6-30691736-G-A.
Other names: c.957G>A, p.Met319Ile (NM_001293212.2); c.765G>A, p.Met255Ile (NM_001293214.2); c.681G>A, p.Met227Ile (NM_001293215.2, NM_001293216.2); c.370-79G>A (NM_001293213.2); short protein forms M227I, M255I, M299I, M319I.
Identifiers: ClinVar variation 1338518 (VCV001338518.4), dbSNP rs2127749712, ClinGen allele CA363149065.